The following is an entry in ClinVar:

ClinVar aggregate classification (germline): Uncertain significance. Review status: criteria provided, multiple submitters, no conflicts (2 of 4 stars). 4 submissions from 4 submitters: Uncertain significance (4). Last evaluated 2025-11-27.

Conditions:
Hereditary cancer-predisposing syndrome. Also called: Tumor predisposition; Hereditary Cancer Syndrome; Neoplastic Syndromes, Hereditary; Hereditary neoplastic syndrome. Identifiers: Orphanet 140162, MedGen C0027672, MeSH D009386, MONDO:0015356.
Neuroblastoma, susceptibility to, 3. Also called: ALK-Related Neuroblastic Tumor Susceptibility. Identifiers: Orphanet 635, MedGen C2751681, MONDO:0013083, OMIM 613014.

Allele frequency attached by ClinVar (database versions not stated): TOPMed below 0.00001; gnomAD 0.00001.
gnomAD v4.1: 1 of 1,614,070 alleles (0.000062%); no homozygotes.

Submissions (4):

Labcorp Genetics (formerly Invitae), Labcorp
Classification: Uncertain significance for Neuroblastoma, susceptibility to, 3. Last evaluated: 2025-11-27. Review status: criteria provided, single submitter. Criteria: Invitae Variant Classification Sherloc (09022015). Collection method: clinical testing. Allele origin: germline.
Comment: This sequence change replaces methionine, which is neutral and non-polar, with isoleucine, which is neutral and non-polar, at codon 552 of the ALK protein (p.Met552Ile). This variant is not present in population databases (gnomAD no frequency). This variant has not been reported in the literature in individuals affected with ALK-related conditions. ClinVar contains an entry for this variant (Variation ID: 1009938). An algorithm developed to predict the effect of missense changes on protein structure and function (PolyPhen-2) suggests that this variant is likely to be disruptive. In summary, the available evidence is currently insufficient to determine the role of this variant in disease. Therefore, it has been classified as a Variant of Uncertain Significance.

Ambry Genetics
Classification: Uncertain significance for Hereditary cancer-predisposing syndrome. Last evaluated: 2025-02-28. Review status: criteria provided, single submitter. Criteria: Ambry Variant Classification Scheme 2023. Collection method: clinical testing. Allele origin: germline.
Comment: The p.M552I variant (also known as c.1656G>A), located in coding exon 9 of the ALK gene, results from a G to A substitution at nucleotide position 1656. The methionine at codon 552 is replaced by isoleucine, an amino acid with highly similar properties. This amino acid position is highly conserved in available vertebrate species. In addition, this alteration is predicted to be tolerated by in silico analysis. Based on the available evidence, the clinical significance of this variant remains unclear.

Fulgent Genetics
Classification: Uncertain significance for Neuroblastoma, susceptibility to, 3. Last evaluated: 2024-01-12. Review status: criteria provided, single submitter. Criteria: ACMG Guidelines, 2015. Collection method: clinical testing. Allele origin: germline.

Baylor Genetics
Classification: Uncertain significance for Neuroblastoma, susceptibility to, 3. Last evaluated: 2023-11-27. Review status: criteria provided, single submitter. Criteria: ACMG Guidelines, 2015. Collection method: clinical testing. Allele origin: unknown.

NM_004304.5(ALK):c.1656G>A (p.Met552Ile)

Gene: ALK (ALK receptor tyrosine kinase; minus strand). Cytogenetic location: 2p23.2.
Variant type: single nucleotide variant.
Coding change: c.1656G>A on transcript NM_004304.5 (MANE Select); coding-DNA position 1656, G replaced by A.
Protein change: p.Met552Ile; replaces methionine 552 with isoleucine.
Molecular consequence: missense variant.
Genome position (GRCh38, 1-based): chr2:29,297,049, C>T on the plus strand (G>A on the coding strand, the complement: ALK is on the minus strand). VCF-style: chr2-29297049-C-T. GRCh37 (hg19) VCF-style: chr2-29519915-C-T.
Other names: c.1656G>A (NM_004304.4); short protein forms M552I.
Identifiers: ClinVar variation 1009938 (VCV001009938.9), dbSNP rs1205245551, ClinGen allele CA346466691.